The following is an entry in ClinVar:

NM_000136.3(FANCC):c.1456C>A (p.Leu486Met)

Genes: AOPEP (aminopeptidase O (putative); plus strand), FANCC (FA complementation group C; minus strand). Cytogenetic location: 9q22.32.
Variant type: single nucleotide variant.
Coding change: c.1456C>A on transcript NM_000136.3 (MANE Select); coding-DNA position 1456, C replaced by A.
Protein change: p.Leu486Met; replaces leucine 486 with methionine.
Molecular consequence: missense variant.
Genome position (GRCh38, 1-based): chr9:95,107,143, G>T on the plus strand (C>A on the coding strand, the complement: FANCC is on the minus strand). VCF-style: chr9-95107143-G-T. GRCh37 (hg19) VCF-style: chr9-97869425-G-T.
Other names: c.1456C>A, p.Leu486Met (NM_001243743.2); short protein forms L486M.
Identifiers: ClinVar variation 2009026 (VCV002009026.6), dbSNP rs761050718, ClinGen allele CA5137329.

ClinVar aggregate classification (germline): Uncertain significance. Review status: criteria provided, multiple submitters, no conflicts (2 of 4 stars). 2 submissions from 2 submitters: Uncertain significance (2). Last evaluated 2023-03-03.

Conditions:
Fanconi anemia (FA). Also called: Fanconi's anemia. Identifiers: Orphanet 84, MedGen C0015625, MeSH D005199, MONDO:0019391.
Hereditary cancer-predisposing syndrome. Also called: Tumor predisposition; Neoplastic Syndromes, Hereditary; Hereditary Cancer Syndrome; Hereditary neoplastic syndrome. Identifiers: Orphanet 140162, MedGen C0027672, MeSH D009386, MONDO:0015356.

Allele frequency attached by ClinVar (database versions not stated): ExAC 0.00001; gnomAD 0.00001.
gnomAD v4.1: 4 of 1,614,112 alleles (0.00025%); highest among the groups gnomAD compares: Non-Finnish European, 0.000085%; no homozygotes.

Submissions (2):

Ambry Genetics
Classification: Uncertain significance for Hereditary cancer-predisposing syndrome. Last evaluated: 2023-03-03. Review status: criteria provided, single submitter. Criteria: Ambry Variant Classification Scheme 2023. Collection method: clinical testing. Allele origin: germline.
Comment: The p.L486M variant (also known as c.1456C>A), located in coding exon 13 of the FANCC gene, results from a C to A substitution at nucleotide position 1456. The leucine at codon 486 is replaced by methionine, an amino acid with highly similar properties. This amino acid position is conserved. In addition, this alteration is predicted to be tolerated by in silico analysis. Since supporting evidence is limited at this time, the clinical significance of this alteration remains unclear.

Labcorp Genetics (formerly Invitae), Labcorp
Classification: Uncertain significance for Fanconi anemia. Last evaluated: 2022-06-22. Review status: criteria provided, single submitter. Criteria: Invitae Variant Classification Sherloc (09022015). Collection method: clinical testing. Allele origin: germline.
Comment: In summary, the available evidence is currently insufficient to determine the role of this variant in disease. Therefore, it has been classified as a Variant of Uncertain Significance. Algorithms developed to predict the effect of missense changes on protein structure and function are either unavailable or do not agree on the potential impact of this missense change (SIFT: "Deleterious"; PolyPhen-2: "Probably Damaging"; Align-GVGD: "Class C0"). This variant has not been reported in the literature in individuals affected with FANCC-related conditions. This variant is present in population databases (rs761050718, gnomAD 0.004%). This sequence change replaces leucine, which is neutral and non-polar, with methionine, which is neutral and non-polar, at codon 486 of the FANCC protein (p.Leu486Met).